The following is an entry in ClinVar:

ClinVar aggregate classification (germline): Uncertain significance (1 of 4 stars; one submission).

Submission:

Mayo Clinic Laboratories, Mayo Clinic
Classification: Uncertain significance. Last evaluated: 2024-05-06. Review status: criteria provided, single submitter. Criteria: ACMG Guidelines, 2015. Collection method: clinical testing. Allele origin: germline. Observed: 1 variant allele.
Comment: BP4, PM2

NM_007347.5(AP4E1):c.1027A>C (p.Lys343Gln)

Gene: AP4E1 (adaptor related protein complex 4 subunit epsilon 1; plus strand). Cytogenetic location: 15q21.2.
Variant type: single nucleotide variant.
Coding change: c.1027A>C on transcript NM_007347.5 (MANE Select); coding-DNA position 1027, A replaced by C.
Protein change: p.Lys343Gln; replaces lysine 343 with glutamine.
Molecular consequence: missense variant.
Genome position (GRCh38, 1-based): chr15:50,941,525, A>C. VCF-style: chr15-50941525-A-C. GRCh37 (hg19) VCF-style: chr15-51233722-A-C.
Other names: p.Lys343Gln; c.802A>C, p.Lys268Gln (NM_001252127.2); short protein forms K268Q, K343Q.
Identifiers: ClinVar variation 3380287 (VCV003380287.1).